The following is an entry in ClinVar:

ClinVar aggregate classification (germline): Uncertain significance (1 of 4 stars; one submission).

Conditions:
COL7A1-related disorder. Also called: COL7A1- related disorders; COL7A1-related condition.

gnomAD v4.1: 2 of 1,614,006 alleles (0.00012%); highest among the groups gnomAD compares: Non-Finnish European, 0.00017%; no homozygotes.

Submission:

PreventionGenetics, part of Exact Sciences
Classification: Uncertain significance for COL7A1-related condition. Last evaluated: 2024-10-25. Review status: criteria provided, single submitter. Criteria: ACMG Guidelines, 2015. Collection method: clinical testing. Allele origin: germline.
Comment: The COL7A1 c.6490G>A variant is predicted to result in the amino acid substitution p.Glu2164Lys. To our knowledge, this variant has not been reported in the literature or in a large population database (gnomAD), indicating this variant is rare. At this time, the clinical significance of this variant is uncertain due to the absence of conclusive functional and genetic evidence.

NM_000094.4(COL7A1):c.6490G>A (p.Glu2164Lys)

Gene: COL7A1 (collagen type VII alpha 1 chain; minus strand). Cytogenetic location: 3p21.31.
Variant type: single nucleotide variant.
Coding change: c.6490G>A on transcript NM_000094.4 (MANE Select); coding-DNA position 6490, G replaced by A.
Protein change: p.Glu2164Lys; replaces glutamic acid 2164 with lysine.
Molecular consequence: missense variant.
Genome position (GRCh38, 1-based): chr3:48,574,273, C>T on the plus strand (G>A on the coding strand, the complement: COL7A1 is on the minus strand). VCF-style: chr3-48574273-C-T. GRCh37 (hg19) VCF-style: chr3-48611706-C-T.
Other names: short protein forms E2164K.
Identifiers: ClinVar variation 4981617 (VCV004981617.1).